The following is an entry in ClinVar:

NM_002485.5(NBN):c.1229G>A (p.Ser410Asn)

Gene: NBN (nibrin; minus strand). Cytogenetic location: 8q21.3.
Variant type: single nucleotide variant.
Coding change: c.1229G>A on transcript NM_002485.5 (MANE Select); coding-DNA position 1229, G replaced by A.
Protein change: p.Ser410Asn; replaces serine 410 with asparagine.
Molecular consequence: missense variant.
Genome position (GRCh38, 1-based): chr8:89,955,451, C>T on the plus strand (G>A on the coding strand, the complement: NBN is on the minus strand). VCF-style: chr8-89955451-C-T. GRCh37 (hg19) VCF-style: chr8-90967679-C-T.
Other names: c.983G>A, p.Ser328Asn (NM_001024688.3); short protein forms S410N, S328N.
Identifiers: ClinVar variation 628578 (VCV000628578.10), dbSNP rs982325971, ClinGen allele CA181260667.
Genomic context (GRCh38, chr8:89,955,451, plus strand): 5'-TGATAGTTTGGGATTCTCATCTTAGCCAAAGTATTTGATACCATACTATTATTATTAGAG[C>T]TTGTTTTGCAGGACTCCTTTACAGTGGGTGCATCTTGTGAAAGCATTCTGAATTTTTGTT-3'
Protein context (NP_002476.2, residues 400-420): APTVKESCKT[Ser410Asn]SNNNSMVSNT

ClinVar aggregate classification (germline): Uncertain significance. Review status: criteria provided, multiple submitters, no conflicts (2 of 4 stars). 2 submissions from 2 submitters: Uncertain significance (2). Last evaluated 2022-04-16.

Conditions:
Hereditary cancer-predisposing syndrome. Also called: Tumor predisposition; Neoplastic Syndromes, Hereditary; Hereditary Cancer Syndrome; Hereditary neoplastic syndrome. Identifiers: Orphanet 140162, MedGen C0027672, MeSH D009386, MONDO:0015356.
Microcephaly, normal intelligence and immunodeficiency (NBS). Also called: BERLIN BREAKAGE SYNDROME; Ataxia telangiectasia variant V1; IMMUNODEFICIENCY, MICROCEPHALY, AND CHROMOSOMAL INSTABILITY; SEEMANOVA SYNDROME II; Immunodeficiency, microcephaly with normal intelligence; Nijmegen breakage syndrome. Identifiers: Orphanet 647, MedGen C0398791, MONDO:0009623, OMIM 251260.

Allele frequency attached by ClinVar (database versions not stated): TOPMed below 0.00001.

Submissions (2):

Labcorp Genetics (formerly Invitae), Labcorp
Classification: Uncertain significance for Microcephaly, normal intelligence and immunodeficiency. Last evaluated: 2022-04-16. Review status: criteria provided, single submitter. Criteria: Invitae Variant Classification Sherloc (09022015). Collection method: clinical testing. Allele origin: germline.
Comment: This sequence change replaces serine, which is neutral and polar, with asparagine, which is neutral and polar, at codon 410 of the NBN protein (p.Ser410Asn). This variant is not present in population databases (gnomAD no frequency). This variant has not been reported in the literature in individuals affected with NBN-related conditions. ClinVar contains an entry for this variant (Variation ID: 628578). Algorithms developed to predict the effect of missense changes on protein structure and function output the following: SIFT: "Tolerated"; PolyPhen-2: "Benign"; Align-GVGD: "Class C0". The asparagine amino acid residue is found in multiple mammalian species, which suggests that this missense change does not adversely affect protein function. In summary, the available evidence is currently insufficient to determine the role of this variant in disease. Therefore, it has been classified as a Variant of Uncertain Significance.

Ambry Genetics
Classification: Uncertain significance for Hereditary cancer-predisposing syndrome. Last evaluated: 2020-04-03. Review status: criteria provided, single submitter. Criteria: Ambry Variant Classification Scheme 2023. Collection method: clinical testing. Allele origin: germline.
Comment: The p.S410N variant (also known as c.1229G>A), located in coding exon 10 of the NBN gene, results from a G to A substitution at nucleotide position 1229. The serine at codon 410 is replaced by asparagine, an amino acid with highly similar properties. This amino acid position is not well conserved in available vertebrate species. In addition, this alteration is predicted to be tolerated by in silico analysis. Since supporting evidence is limited at this time, the clinical significance of this alteration remains unclear.